The following is an entry in ClinVar:

ClinVar aggregate classification (germline): Likely benign (1 of 4 stars; one submission).

Conditions:
BSCL2-related disorder. Also called: BSCL2-related condition; BSCL2-Related Disorders.

Submission:

PreventionGenetics, part of Exact Sciences
Classification: Likely benign for BSCL2-related condition. Last evaluated: 2025-10-01. Review status: criteria provided, single submitter. Criteria: ACMG Guidelines, 2015. Collection method: clinical testing. Allele origin: germline.
Comment: This variant is classified as likely benign based on ACMG/AMP sequence variant interpretation guidelines (Richards et al. 2015 PMID: 25741868, with internal and published modifications).

NM_001122955.3(BSCL2):c.-303_-302CT[1]

Genes: BSCL2 (BSCL2 lipid droplet biogenesis associated, seipin; minus strand), GNG3 (G protein subunit gamma 3; plus strand), HNRNPUL2-BSCL2 (HNRNPUL2-BSCL2 readthrough (NMD candidate); minus strand). Cytogenetic location: 11q12.3.
Variant type: Microsatellite.
Coding change: c.-303_-302CT[1] on transcript NM_001122955.3.
Molecular consequence: intron variant (on NM_001386028.1).
Genome position: GRCh38 VCF-style: chr11-62707493-TGA-T. GRCh37 (hg19) VCF-style: chr11-62474965-TGA-T.
Other names: c.-129-171_-129-170del (NM_001386028.1, NM_001386027.1); c.-300_-299delTC (NM_001122955.3).
Identifiers: ClinVar variation 4985056 (VCV004985056.1).